The following is an entry in ClinVar:

NM_003995.4(NPR2):c.65C>T (p.Ala22Val)

Gene: NPR2 (natriuretic peptide receptor 2; plus strand). Cytogenetic location: 9p13.3.
Variant type: single nucleotide variant.
Coding change: c.65C>T on transcript NM_003995.4 (MANE Select); coding-DNA position 65, C replaced by T.
Protein change: p.Ala22Val; replaces alanine 22 with valine.
Molecular consequence: missense variant.
Genome position (GRCh38, 1-based): chr9:35,792,473, C>T. VCF-style: chr9-35792473-C-T. GRCh37 (hg19) VCF-style: chr9-35792470-C-T.
Other names: c.65C>T, p.Ala22Val (NM_001378923.1); c.65C>T (NM_003995.3); short protein forms A22V.
Identifiers: ClinVar variation 1042436 (VCV001042436.13), dbSNP rs1827813477, ClinGen allele CA373361293.
Genomic context (GRCh38, chr9:35,792,473, plus strand): 5'-CGCTGCCATCACTTCTGCTGTTGGTGGCAGCCCTGGCAGGTGGGGTGCGTCCTCCCGGGG[C>T]GCGGAACCTGACGCTGGCGGTGGTGCTGCCAGAACACAACCTGAGCTATGCCTGGGCCTG-3'
Protein context (NP_003986.2, residues 12-32): ALAGGVRPPG[Ala22Val]RNLTLAVVLP

ClinVar aggregate classification (germline): Uncertain significance. Review status: criteria provided, multiple submitters, no conflicts (2 of 4 stars). 2 submissions from 2 submitters: Uncertain significance (2). Last evaluated 2026-04-08.

Conditions:
Inborn genetic diseases. Identifiers: MedGen C0950123, MeSH D030342.
Acromesomelic dysplasia 1, Maroteaux type (AMD1). Also called: ST. HELENA DYSPLASIA; ACROMESOMELIC DYSPLASIA 1. Identifiers: Orphanet 40, MedGen C1864356, MONDO:0011275, OMIM 602875.
Tall stature-scoliosis-macrodactyly of the great toes syndrome. Also called: Epiphyseal chondrodysplasia, miura type. Identifiers: Orphanet 329191, MedGen C4014690, MONDO:0014401, OMIM 615923.

Submissions (2):

Ambry Genetics
Classification: Uncertain significance for Inborn genetic diseases. Last evaluated: 2026-04-08. Review status: criteria provided, single submitter. Criteria: Ambry Variant Classification Scheme 2023. Collection method: clinical testing. Allele origin: germline.

Labcorp Genetics (formerly Invitae), Labcorp
Classification: Uncertain significance for Tall stature-scoliosis-macrodactyly of the great toes syndrome; Acromesomelic dysplasia 1, Maroteaux type. Last evaluated: 2022-07-11. Review status: criteria provided, single submitter. Criteria: Invitae Variant Classification Sherloc (09022015). Collection method: clinical testing. Allele origin: germline.
Comment: Algorithms developed to predict the effect of sequence changes on RNA splicing suggest that this variant may create or strengthen a splice site. In summary, the available evidence is currently insufficient to determine the role of this variant in disease. Therefore, it has been classified as a Variant of Uncertain Significance. Algorithms developed to predict the effect of missense changes on protein structure and function output the following: SIFT: "Tolerated"; PolyPhen-2: "Benign"; Align-GVGD: "Class C0". The valine amino acid residue is found in multiple mammalian species, which suggests that this missense change does not adversely affect protein function. ClinVar contains an entry for this variant (Variation ID: 1042436). This variant has not been reported in the literature in individuals affected with NPR2-related conditions. This variant is not present in population databases (gnomAD no frequency). This sequence change replaces alanine, which is neutral and non-polar, with valine, which is neutral and non-polar, at codon 22 of the NPR2 protein (p.Ala22Val).